The following is an entry in ClinVar:

ClinVar aggregate classification (germline): Conflicting classifications of pathogenicity. Review status: criteria provided, conflicting classifications (1 of 4 stars). 5 submissions from 5 submitters: Uncertain significance (4); Likely benign (1). Last evaluated 2026-08-06.

Conditions:
Lung cancer. Also called: Lung cancer, somatic; Malignant tumor of lung. Identifiers: MedGen C0242379, MONDO:0008903, OMIM 211980.
EGFR-related lung cancer (EGFR). Identifiers: MedGen CN130014.
Hereditary cancer. Identifiers: MedGen C1333600.
Hereditary cancer-predisposing syndrome. Also called: Neoplastic Syndromes, Hereditary; Hereditary Cancer Syndrome; Tumor predisposition; Hereditary neoplastic syndrome. Identifiers: Orphanet 140162, MedGen C0027672, MeSH D009386, MONDO:0015356.

Allele frequency attached by ClinVar (database versions not stated): gnomAD exomes below 0.00001; TOPMed 0.00002.
gnomAD v4.1: 1 of 1,613,456 alleles (0.000062%); highest among the groups gnomAD compares: Admixed American, 0.0017%; no homozygotes.

Submissions (5):

OLLIN Analises Genomicas, OLLIN
Classification: Uncertain significance for Lung cancer. Last evaluated: 2026-08-06. Review status: criteria provided, single submitter. Criteria: ACMG Guidelines 2015 PMID 25741868. Collection method: clinical testing. Allele origin: germline. Inheritance: Autosomal dominant inheritance.
Comment: This missense variant, located in exon 27 (of 28), has been reported in ClinVar (accession VCV000584701.12) and in gnomAD with an allele frequency of 0.000062%. However, to our knowledge, it has not been reported in the scientific literature. In silico analysis predicts that this variant has a tolerated effect. According to the currently available evidence, this variant has been classified as uncertain significance (PM2_P, BP4).

Labcorp Genetics (formerly Invitae), Labcorp
Classification: Uncertain significance for EGFR-related lung cancer. Last evaluated: 2025-11-14. Review status: criteria provided, single submitter. Criteria: Invitae Variant Classification Sherloc (09022015). Collection method: clinical testing. Allele origin: germline.
Comment: This sequence change replaces isoleucine, which is neutral and non-polar, with arginine, which is basic and polar, at codon 1082 of the EGFR protein (p.Ile1082Arg). This variant is present in population databases (no rsID available, gnomAD 0.003%). This variant has not been reported in the literature in individuals affected with EGFR-related conditions. ClinVar contains an entry for this variant (Variation ID: 584701). An algorithm developed to predict the effect of missense changes on protein structure and function (PolyPhen-2) suggests that this variant is likely to be tolerated. In summary, the available evidence is currently insufficient to determine the role of this variant in disease. Therefore, it has been classified as a Variant of Uncertain Significance.

Dasa
Classification: Uncertain significance for lung cancer. Last evaluated: 2025-11-10. Review status: criteria provided, single submitter. Criteria: DASA Assertion Criteria. Collection method: clinical testing. Allele origin: germline.
Comment: NM_005228.5(EGFR):c.3245T>G (p.Ile1082Arg) is a missense variant that results in the substitution of isoleucine with arginine. This variant is rare in population databases. The currently available literature and clinical evidence are not sufficient to establish a definitive association between this variant and the reported condition. Therefore, this variant is classified as a variant of uncertain significance.

Ambry Genetics
Classification: Uncertain significance for Hereditary cancer-predisposing syndrome. Last evaluated: 2025-08-21. Review status: criteria provided, single submitter. Criteria: Ambry Variant Classification Scheme 2023. Collection method: clinical testing. Allele origin: germline.
Comment: The p.I1082R variant (also known as c.3245T>G), located in coding exon 27 of the EGFR gene, results from a T to G substitution at nucleotide position 3245. The isoleucine at codon 1082 is replaced by arginine, an amino acid with similar properties. This amino acid position is not well conserved in available vertebrate species. In addition, this alteration is predicted to be tolerated by in silico analysis. Based on the available evidence, the clinical significance of this variant remains unclear.

Mendelics
Classification: Likely benign for Hereditary cancer. Last evaluated: 2024-01-23. Review status: criteria provided, single submitter. Criteria: ACMG Guidelines, 2015. Collection method: clinical testing. Allele origin: unknown.

NM_005228.5(EGFR):c.3245T>G (p.Ile1082Arg)

Gene: EGFR (epidermal growth factor receptor; plus strand). Cytogenetic location: 7p11.2.
Variant type: single nucleotide variant.
Coding change: c.3245T>G on transcript NM_005228.5 (MANE Select); coding-DNA position 3245, T replaced by G.
Protein change: p.Ile1082Arg; replaces isoleucine 1082 with arginine.
Molecular consequence: missense variant.
Genome position (GRCh38, 1-based): chr7:55,202,599, T>G. VCF-style: chr7-55202599-T-G. GRCh37 (hg19) VCF-style: chr7-55270292-T-G.
Other names: c.3110T>G, p.Ile1037Arg (NM_001346897.2, NM_001346899.2); c.3245T>G, p.Ile1082Arg (NM_001346898.2); c.3086T>G, p.Ile1029Arg (NM_001346900.2); c.2444T>G, p.Ile815Arg (NM_001346941.2); short protein forms I1082R, I1037R, I1029R, I815R.
Identifiers: ClinVar variation 584701 (VCV000584701.14), dbSNP rs1051476261, ClinGen allele CA158938600.